The following is an entry in ClinVar:

ClinVar aggregate classification (germline): Uncertain significance. Review status: criteria provided, multiple submitters, no conflicts (2 of 4 stars). 2 submissions from 2 submitters: Uncertain significance (2). Last evaluated 2024-01-22.

Conditions:
Inborn genetic diseases. Identifiers: MedGen C0950123, MeSH D030342.

Allele frequency attached by ClinVar (database versions not stated): gnomAD 0.00009 and 0.00010; ESP Exome Variant Server 0.00023.
gnomAD v4.1: 278 of 1,614,086 alleles (0.017%); highest among the groups gnomAD compares: Non-Finnish European, 0.021%; no homozygotes.

Submissions (2):

Labcorp Genetics (formerly Invitae), Labcorp
Classification: Uncertain significance. Last evaluated: 2024-01-22. Review status: criteria provided, single submitter. Criteria: Invitae Variant Classification Sherloc (09022015). Collection method: clinical testing. Allele origin: germline.
Comment: This sequence change replaces glutamic acid, which is acidic and polar, with aspartic acid, which is acidic and polar, at codon 451 of the UNC45A protein (p.Glu451Asp). This variant is present in population databases (rs140117452, gnomAD 0.02%). This variant has not been reported in the literature in individuals affected with UNC45A-related conditions. ClinVar contains an entry for this variant (Variation ID: 1391810). Advanced modeling of protein sequence and biophysical properties (such as structural, functional, and spatial information, amino acid conservation, physicochemical variation, residue mobility, and thermodynamic stability) performed at Invitae indicates that this missense variant is expected to disrupt UNC45A protein function with a positive predictive value of 80%. In summary, the available evidence is currently insufficient to determine the role of this variant in disease. Therefore, it has been classified as a Variant of Uncertain Significance.

Ambry Genetics
Classification: Uncertain significance for Inborn genetic diseases. Last evaluated: 2021-08-17. Review status: criteria provided, single submitter. Criteria: Ambry Variant Classification Scheme 2023. Collection method: clinical testing. Allele origin: germline.

NM_018671.5(UNC45A):c.1353G>C (p.Glu451Asp)

Gene: UNC45A (unc-45 myosin chaperone A; plus strand). Cytogenetic location: 15q26.1.
Variant type: single nucleotide variant.
Coding change: c.1353G>C on transcript NM_018671.5 (MANE Select); coding-DNA position 1353, G replaced by C.
Protein change: p.Glu451Asp; replaces glutamic acid 451 with aspartic acid.
Molecular consequence: missense variant.
Genome position (GRCh38, 1-based): chr15:90,946,767, G>C. VCF-style: chr15-90946767-G-C. GRCh37 (hg19) VCF-style: chr15-91489997-G-C.
Other names: c.918G>C, p.Glu306Asp (NM_001323620.2); c.1308G>C, p.Glu436Asp (NM_001323621.2, NM_001039675.2); c.1353G>C (NM_018671.3); c.1353G>C, p.Glu451Asp (NM_001323619.1); short protein forms E306D, E436D, E451D.
Identifiers: ClinVar variation 1391810 (VCV001391810.5), dbSNP rs140117452, ClinGen allele CA7742877.